The following is an entry in ClinVar:

NM_016373.4(WWOX):c.262C>A (p.Pro88Thr)

Gene: WWOX (WW domain containing oxidoreductase; plus strand). Cytogenetic location: 16q23.1.
Variant type: single nucleotide variant.
Coding change: c.262C>A on transcript NM_016373.4 (MANE Select); coding-DNA position 262, C replaced by A.
Protein change: p.Pro88Thr; replaces proline 88 with threonine.
Molecular consequence: missense variant. On other transcripts: 5 prime UTR variant (1), non-coding transcript variant (1).
Genome position (GRCh38, 1-based): chr16:78,115,007, C>A. VCF-style: chr16-78115007-C-A. GRCh37 (hg19) VCF-style: chr16-78148904-C-A.
Other names: c.-78C>A (NM_001291997.2); c.262C>A, p.Pro88Thr (NM_130791.5); short protein forms P88T.
Identifiers: ClinVar variation 2053655 (VCV002053655.4), dbSNP rs372362643, ClinGen allele CA396842346.

ClinVar aggregate classification (germline): Uncertain significance (1 of 4 stars; one submission).

Conditions:
Autosomal recessive spinocerebellar ataxia 12. Also called: SPINOCEREBELLAR ATAXIA WITH MENTAL RETARDATION AND EPILEPSY. Identifiers: Orphanet 284282, MedGen C3280452, MONDO:0013687, OMIM 614322.
Developmental and epileptic encephalopathy, 1 (DEE1). Also called: X-linked infantile spasms; West's syndrome; Tonic spasms with clustering, arrest of psychomotor development and hypsarrhythmia on EEG; X-Linked Infantile Spasm Syndrome; OHTAHARA SYNDROME, X-LINKED; INFANTILE SPASM SYNDROME, X-LINKED 1. Identifiers: MedGen C3463992, MONDO:0010632, OMIM 308350. Disease mechanism: loss of function.

gnomAD v4.1: 1 of 1,614,164 alleles (0.000062%); highest among the groups gnomAD compares: Non-Finnish European, 0.000085%; no homozygotes.

Submission:

Labcorp Genetics (formerly Invitae), Labcorp
Classification: Uncertain significance for Developmental and epileptic encephalopathy, 1; Autosomal recessive spinocerebellar ataxia 12. Last evaluated: 2022-09-07. Review status: criteria provided, single submitter. Criteria: Invitae Variant Classification Sherloc (09022015). Collection method: clinical testing. Allele origin: germline.
Comment: This variant is not present in population databases (gnomAD no frequency). In summary, the available evidence is currently insufficient to determine the role of this variant in disease. Therefore, it has been classified as a Variant of Uncertain Significance. Algorithms developed to predict the effect of missense changes on protein structure and function are either unavailable or do not agree on the potential impact of this missense change (SIFT: "Not Available"; PolyPhen-2: "Probably Damaging"; Align-GVGD: "Not Available"). This variant has not been reported in the literature in individuals affected with WWOX-related conditions. This sequence change replaces proline, which is neutral and non-polar, with threonine, which is neutral and polar, at codon 88 of the WWOX protein (p.Pro88Thr).